The following is an entry in ClinVar:

ClinVar aggregate classification (germline): Benign (0 of 4 stars; one submission).

Conditions:
KCNJ12-related disorder. Also called: KCNJ12-related condition.

Allele frequency attached by ClinVar (database versions not stated): 1000 Genomes Project 0.49880; ExAC 0.50021.

Submission:

PreventionGenetics, part of Exact Sciences
Classification: Benign for KCNJ12-related condition. Last evaluated: 2019-10-17. Review status: no assertion criteria provided. Collection method: clinical testing. Allele origin: germline.
Comment: This variant is classified as benign based on ACMG/AMP sequence variant interpretation guidelines (Richards et al. 2015 PMID: 25741868, with internal and published modifications).

NM_021012.5(KCNJ12):c.354G>C (p.Arg118=)

Gene: KCNJ12 (potassium inwardly rectifying channel subfamily J member 12; plus strand). Cytogenetic location: 17p11.2.
Variant type: single nucleotide variant.
Coding change: c.354G>C on transcript NM_021012.5 (MANE Select); coding-DNA position 354, G replaced by C.
Protein change: p.Arg118=; no amino-acid change (arginine 118 retained).
Molecular consequence: synonymous variant.
Genome position (GRCh38, 1-based): chr17:21,415,696, G>C. VCF-style: chr17-21415696-G-C. GRCh37 (hg19) VCF-style: chr17-21319008-G-C.
Identifiers: ClinVar variation 3060394 (VCV003060394.2), dbSNP rs1657741, ClinGen allele CA8451089.